The following is an entry in ClinVar:

ClinVar aggregate classification (germline): Benign/Likely benign. Review status: criteria provided, multiple submitters, no conflicts (2 of 4 stars). 6 submissions from 6 submitters: Benign (2); Likely benign (4). Last evaluated 2025-01-15.

Conditions:
Inborn genetic diseases. Identifiers: MedGen C0950123, MeSH D030342.
Developmental and epileptic encephalopathy, 33 (DEE33). Also called: Epileptic encephalopathy, early infantile, 33. Identifiers: Orphanet 442835, MedGen C4225337, MONDO:0014625, OMIM 616409.

Allele frequency attached by ClinVar (database versions not stated): gnomAD exomes 0.00008; ExAC 0.00011; ESP Exome Variant Server 0.00015; gnomAD 0.00019 and 0.00020; 1000 Genomes Project 0.00020; TOPMed 0.00020; 1000 Genomes Project 30x 0.00031.
gnomAD v4.1: 139 of 1,612,972 alleles (0.0086%); highest among the groups gnomAD compares: African/African-American, 0.056%; no homozygotes.

Submissions (6):

Labcorp Genetics (formerly Invitae), Labcorp
Classification: Likely benign for Developmental and epileptic encephalopathy, 33. Last evaluated: 2025-01-15. Review status: criteria provided, single submitter. Criteria: Invitae Variant Classification Sherloc (09022015). Collection method: clinical testing. Allele origin: germline.

Blueprint Genetics
Classification: Likely benign. Last evaluated: 2024-10-24. Review status: criteria provided, single submitter. Criteria: ACMG Guidelines, 2015. Collection method: clinical testing. Allele origin: germline.

CeGaT Center for Human Genetics Tuebingen
Classification: Likely benign. Last evaluated: 2022-08-01. Review status: criteria provided, single submitter. Criteria: CeGaT Center For Human Genetics Tuebingen Variant Classification Criteria Version 2. Collection method: clinical testing. Allele origin: germline. Affected: yes. Observed: 1 variant allele.
Comment: EEF1A2: BP4, BP7

GeneDx
Classification: Benign. Last evaluated: 2018-12-31. Review status: criteria provided, single submitter. Criteria: GeneDx Variant Classification Process June 2021. Collection method: clinical testing. Allele origin: germline. Affected: yes.

Ambry Genetics
Classification: Likely benign for Inborn genetic diseases. Last evaluated: 2017-12-14. Review status: criteria provided, single submitter. Criteria: Ambry Variant Classification Scheme 2023. Collection method: clinical testing. Allele origin: germline.

Genetic Services Laboratory, University of Chicago
Classification: Benign. Last evaluated: 2017-08-04. Review status: criteria provided, single submitter. Criteria: ACMG Guidelines, 2015. Collection method: clinical testing. Allele origin: germline. Affected: no.

NM_001958.5(EEF1A2):c.30C>T (p.Ile10=)

Gene: EEF1A2 (eukaryotic translation elongation factor 1 alpha 2; minus strand). Cytogenetic location: 20q13.33.
Variant type: single nucleotide variant.
Coding change: c.30C>T on transcript NM_001958.5 (MANE Select); coding-DNA position 30, C replaced by T.
Protein change: p.Ile10=; no amino-acid change (isoleucine 10 retained).
Molecular consequence: synonymous variant.
Genome position (GRCh38, 1-based): chr20:63,497,734, G>A on the plus strand (C>T on the coding strand, the complement: EEF1A2 is on the minus strand). VCF-style: chr20-63497734-G-A. GRCh37 (hg19) VCF-style: chr20-62129087-G-A.
Identifiers: ClinVar variation 771805 (VCV000771805.49), dbSNP rs376374917, ClinGen allele CA9959215.